The following is an entry in ClinVar:

ClinVar aggregate classification (germline): Pathogenic (1 of 4 stars; one submission).

Conditions:
Telangiectasia, hereditary hemorrhagic, type 1 (HHT1). Also called: Osler Weber Rendu syndrome type 1; ENG-Related Hereditary Hemorrhagic Telangiectasia. Identifiers: Orphanet 774, MedGen C4551861, MONDO:0008535, OMIM 187300. Disease mechanism: loss of function.

Submission:

NIHR Bioresource Rare Diseases, University of Cambridge
Classification: Pathogenic for Telangiectasia, hereditary hemorrhagic, type 1. Last evaluated: 2018-01-01. Review status: criteria provided, single submitter. Criteria: ACMG Guidelines, 2015. Collection method: research. Allele origin: unknown. Affected: yes. Observed: 1 variant allele.
Comment: PVS1+PM2+PP4

Literature cited by the submitters: PubMed 32573726.

NC_000009.12:g.127814982_127820052del

Genes: ENG (endoglin; minus strand), LOC102723566 (uncharacterized LOC102723566; plus strand). Cytogenetic location: 9q34.11.
Variant type: Deletion.
Genome position: GRCh38: chr9:127,814,982-127,820,052. GRCh37 (hg19): chr9:130,577,261-130,582,331.
Identifiers: ClinVar variation 982457 (VCV000982457.1), ClinGen allele CA1139659920.